The following is an entry in ClinVar:

ClinVar aggregate classification (germline): Benign. Review status: criteria provided, multiple submitters, no conflicts (2 of 4 stars). 2 submissions from 2 submitters: Benign (2). Last evaluated 2026-06-12.

Conditions:
SLC27A4-related disorder. Also called: SLC27A4-related condition.

Allele frequency attached by ClinVar (database versions not stated): gnomAD exomes 0.00037 and 0.00103; ExAC 0.00123; 1000 Genomes Project 0.00339; 1000 Genomes Project 30x 0.00422; gnomAD 0.00424 and 0.00462; TOPMed 0.00454; ESP Exome Variant Server 0.00523.
gnomAD v4.1: 1,214 of 1,614,054 alleles (0.075%); highest among the groups gnomAD compares: African/African-American, 1.5%; 10 homozygotes.

Submissions (2):

PreventionGenetics, part of Exact Sciences
Classification: Benign for SLC27A4-related condition. Last evaluated: 2026-06-12. Review status: criteria provided, single submitter. Criteria: ACMG Guidelines, 2015. Collection method: clinical testing. Allele origin: germline.
Comment: This variant is classified as benign based on ACMG/AMP sequence variant interpretation guidelines (Richards et al. 2015 PMID: 25741868, with internal and published modifications).

Labcorp Genetics (formerly Invitae), Labcorp
Classification: Benign. Last evaluated: 2026-01-24. Review status: criteria provided, single submitter. Criteria: Invitae Variant Classification Sherloc (09022015). Collection method: clinical testing. Allele origin: germline.

NM_005094.4(SLC27A4):c.1035A>G (p.Pro345=)

Gene: SLC27A4 (solute carrier family 27 member 4; plus strand). Cytogenetic location: 9q34.11.
Variant type: single nucleotide variant.
Coding change: c.1035A>G on transcript NM_005094.4 (MANE Select); coding-DNA position 1035, A replaced by G.
Protein change: p.Pro345=; no amino-acid change (proline 345 retained).
Molecular consequence: synonymous variant.
Genome position (GRCh38, 1-based): chr9:128,353,072, A>G. VCF-style: chr9-128353072-A-G. GRCh37 (hg19) VCF-style: chr9-131115351-A-G.
Identifiers: ClinVar variation 779097 (VCV000779097.11), dbSNP rs55976774, ClinGen allele CA5261163.